The following is an entry in ClinVar:

ClinVar aggregate classification (germline): Pathogenic/Likely pathogenic. Review status: criteria provided, multiple submitters, no conflicts (2 of 4 stars). 5 submissions from 5 submitters: Pathogenic (1); Likely pathogenic (3). 1 of the submissions does not count toward it. Last evaluated 2024-12-10.

Conditions:
Autosomal recessive ataxia due to ubiquinone deficiency. Also called: SPINOCEREBELLAR ATAXIA, AUTOSOMAL RECESSIVE 9; Coenzyme Q10 deficiency, primary, 4. Identifiers: Orphanet 139485, MedGen C2677589, MONDO:0012784, OMIM 612016.

Submissions (5):

Labcorp Genetics (formerly Invitae), Labcorp
Classification: Pathogenic. Last evaluated: 2024-12-10. Review status: criteria provided, single submitter. Criteria: Invitae Variant Classification Sherloc (09022015). Collection method: clinical testing. Allele origin: germline.
Comment: This sequence change creates a premature translational stop signal (p.Ile542Argfs*31) in the COQ8A gene. While this is not anticipated to result in nonsense mediated decay, it is expected to disrupt the last 106 amino acid(s) of the COQ8A protein. This variant is present in population databases (rs751637699, gnomAD 0.008%). This premature translational stop signal has been observed in individual(s) with coenzyme Q10 deficiency (PMID: 26757139, 34712575). ClinVar contains an entry for this variant (Variation ID: 666349). This variant disrupts a region of the COQ8A protein in which other variant(s) (p.Met555Ile) have been determined to be pathogenic (PMID: 25131622, 32337771). This suggests that this is a clinically significant region of the protein, and that variants that disrupt it are likely to be disease-causing. For these reasons, this variant has been classified as Pathogenic.

Genetic Diagnostics Department, Viafet Genomics Laboratory
Classification: Likely pathogenic for Autosomal recessive ataxia due to ubiquinone deficiency. Last evaluated: 2021-08-23. Review status: criteria provided, single submitter. Criteria: ACMG Guidelines, 2015. Collection method: clinical testing. Allele origin: germline. Inheritance: Autosomal recessive inheritance. Affected: no. Observed: 1 variant allele, 1 heterozygote.
Comment: This variant is present in exon 13/14 in the only transcript of this gene. Several loss-of-function variants are reported as disease-causing in HGMD and/or ClinVar after this position. Thevenon et al., 2016 have identified this variant in a compound heterozygous state with c.811C>T (p.Arg271Cys) in a patient presenting with early-onset severe pediatric COQ8A deficiency (PMID: 26757139).

GeneDx
Classification: Likely pathogenic. Last evaluated: 2019-11-18. Review status: criteria provided, single submitter. Criteria: GeneDx Variant Classification Process June 2021. Collection method: clinical testing. Allele origin: germline. Affected: yes.
Comment: Frameshift variant in the C-terminus predicted to result in protein truncation, as the last 106 amino acids are lost and replaced with 30 incorrect amino acids; Not observed at a significant frequency in large population cohorts (Lek et al., 2016); This variant is associated with the following publications: (PMID: 26757139)

Juno Genomics, Hangzhou Juno Genomics, Inc
Classification: Likely pathogenic for Autosomal recessive ataxia due to ubiquinone deficiency. Review status: criteria provided, single submitter. Criteria: ACMG Guidelines, 2015. Collection method: clinical testing. Allele origin: germline. Affected: yes.
Comment: Absent from controls (or at extremely low frequency if recessive) in Genome Aggregation Database, Exome Sequencing Project, 1000 Genomes Project, or Exome Aggregation Consortium.;Null variant in a gene where loss of function (LOF) is a known mechanism of disease.;For recessive disorders, detected in trans with a pathogenic variant.

Equipe Genetique des Anomalies du Developpement, Université de Bourgogne
Classification: Likely pathogenic for Autosomal recessive ataxia due to ubiquinone deficiency. Review status: no assertion criteria provided. Collection method: clinical testing. Allele origin: inherited. Affected: yes. Not counted in ClinVar's aggregate classification.

Literature cited by the submitters: PubMed 26757139 (cited by Labcorp Genetics (formerly Invitae), Labcorp and Genetic Diagnostics Department, Viafet Genomics Laboratory); PubMed 34712575 (cited by Labcorp Genetics (formerly Invitae), Labcorp); PubMed 25131622 (cited by Labcorp Genetics (formerly Invitae), Labcorp); PubMed 32337771 (cited by Labcorp Genetics (formerly Invitae), Labcorp).

NM_020247.5(COQ8A):c.1625_1626del (p.Ile542fs)

Gene: COQ8A (coenzyme Q8A; plus strand). Cytogenetic location: 1q42.13.
Variant type: Deletion.
Coding change: c.1625_1626del on transcript NM_020247.5 (MANE Select); coding-DNA positions 1625 to 1626, 2 bases deleted (TA; older notation c.1625_1626delTA).
Protein change: p.Ile542fs; shifts the reading frame from isoleucine 542.
Molecular consequence: frameshift variant.
Genome position (GRCh38, 1-based): chr1:226,985,306-226,985,307, TA deleted; deleting any 2 consecutive bases within chr1:226,985,305-226,985,307 gives the same sequence; the c. name uses the placement nearest the transcript's 3' end. VCF-style (leftmost placement, unchanged base first): chr1-226985304-CAT-C. GRCh37 (hg19) VCF-style: chr1-227173005-CAT-C.
Other names: c.1625_1626delTA (NM_020247.5); short protein forms I542fs.
Identifiers: ClinVar variation 666349 (VCV000666349.9), dbSNP rs751637699, ClinGen allele CA1425591.
Genomic context (GRCh38, chr1:226,985,304, plus strand): 5'-CTCTCCCCAGATCATCAGGGCTGCTGCCGACAGGGACAGGGAGACTGTGCGGGCGAAATC[CAT>C]AGAGATGAAGTTCCTCACCGGCTACGAGGTCAAGGTGAGCAGGGTTGCGGGGGATCCCCT-3'